The following is an entry in ClinVar:

NM_000096.4(CP):c.3043G>A (p.Val1015Ile)

Gene: CP (ceruloplasmin; minus strand). Cytogenetic location: 3q24.
Variant type: single nucleotide variant.
Coding change: c.3043G>A on transcript NM_000096.4 (MANE Select); coding-DNA position 3043, G replaced by A.
Protein change: p.Val1015Ile; replaces valine 1015 with isoleucine.
Molecular consequence: missense variant.
Genome position (GRCh38, 1-based): chr3:149,176,388, C>T on the plus strand (G>A on the coding strand, the complement: CP is on the minus strand). VCF-style: chr3-149176388-C-T. GRCh37 (hg19) VCF-style: chr3-148894175-C-T.
Other names: short protein forms V1015I.
Identifiers: ClinVar variation 4086273 (VCV004086273.1).

ClinVar aggregate classification (germline): Uncertain significance (1 of 4 stars; one submission).

gnomAD v4.1: 4 of 1,612,164 alleles (0.00025%); highest among the groups gnomAD compares: Non-Finnish European, 0.00034%; no homozygotes.

Submission:

GeneDx
Classification: Uncertain significance. Last evaluated: 2025-03-21. Review status: criteria provided, single submitter. Criteria: GeneDx Variant Classification Process June 2021. Collection method: clinical testing. Allele origin: germline. Affected: yes.
Comment: Not observed at significant frequency in large population cohorts (gnomAD); In silico analysis indicates that this missense variant does not alter protein structure/function; Has not been previously published as pathogenic or benign to our knowledge